The following is an entry in ClinVar:

NM_001849.4(COL6A2):c.1843G>A (p.Asp615Asn)

Gene: COL6A2 (collagen type VI alpha 2 chain; plus strand). Cytogenetic location: 21q22.3.
Variant type: single nucleotide variant.
Coding change: c.1843G>A on transcript NM_001849.4 (MANE Select); coding-DNA position 1843, G replaced by A.
Protein change: p.Asp615Asn; replaces aspartic acid 615 with asparagine.
Molecular consequence: missense variant.
Genome position (GRCh38, 1-based): chr21:46,125,491, G>A. VCF-style: chr21-46125491-G-A. GRCh37 (hg19) VCF-style: chr21-47545405-G-A.
Other names: c.1843G>A, p.Asp615Asn (NM_058174.3, NM_058175.3); short protein forms D615N.
Identifiers: ClinVar variation 2664969 (VCV002664969.6), dbSNP rs2517016348, ClinGen allele CA410538463.

ClinVar aggregate classification (germline): Uncertain significance. Review status: criteria provided, multiple submitters, no conflicts (2 of 4 stars). 3 submissions from 3 submitters: Uncertain significance (3). Last evaluated 2026-03-21.

Conditions:
Bethlem myopathy 1A. Also called: MYOPATHY, BENIGN CONGENITAL, WITH CONTRACTURES; Bethlem myopathy 1; Bethlem Muscular Dystrophy. Identifiers: Orphanet 610, MedGen CN029274, MONDO:0024530, OMIM 158810.

gnomAD v4.1: 2 of 1,613,014 alleles (0.00012%); highest among the groups gnomAD compares: Non-Finnish European, 0.00017%; no homozygotes.

Submissions (3):

Dasa
Classification: Uncertain significance. Last evaluated: 2026-03-21. Review status: criteria provided, single submitter. Criteria: DASA Assertion Criteria. Collection method: clinical testing. Allele origin: germline.
Comment: NM_001849.4(COL6A2):c.1843G>A (p.Asp615Asn) is a missense variant that results in the substitution of aspartic acid with asparagine. This variant is rare in population databases. Computational prediction algorithms are consistent with a deleterious effect. The currently available literature and clinical evidence are not sufficient to establish a definitive association between this variant and the reported condition. Therefore, this variant is classified as a variant of uncertain significance.

Labcorp Genetics (formerly Invitae), Labcorp
Classification: Uncertain significance for Bethlem myopathy 1A. Last evaluated: 2025-01-29. Review status: criteria provided, single submitter. Criteria: Invitae Variant Classification Sherloc (09022015). Collection method: clinical testing. Allele origin: germline.
Comment: This sequence change replaces aspartic acid, which is acidic and polar, with asparagine, which is neutral and polar, at codon 615 of the COL6A2 protein (p.Asp615Asn). This variant is not present in population databases (gnomAD no frequency). This variant has not been reported in the literature in individuals affected with COL6A2-related conditions. ClinVar contains an entry for this variant (Variation ID: 2664969). Invitae Evidence Modeling of protein sequence and biophysical properties (such as structural, functional, and spatial information, amino acid conservation, physicochemical variation, residue mobility, and thermodynamic stability) has been performed for this missense variant. However, the output from this modeling did not meet the statistical confidence thresholds required to predict the impact of this variant on COL6A2 protein function. Algorithms developed to predict the effect of sequence changes on RNA splicing suggest that this variant may create or strengthen a splice site. In summary, the available evidence is currently insufficient to determine the role of this variant in disease. Therefore, it has been classified as a Variant of Uncertain Significance.

Institute of Human Genetics, University of Leipzig Medical Center
Classification: Uncertain significance for Bethlem myopathy 1A. Last evaluated: 2023-11-03. Review status: criteria provided, single submitter. Criteria: ACMG Guidelines, 2015. Collection method: clinical testing. Allele origin: paternal. Inheritance: Autosomal dominant inheritance. Affected: yes.
Comment: Criteria applied: PM1_SUP,PM2_SUP,PP3